The following is an entry in ClinVar:

ClinVar aggregate classification (germline): Likely pathogenic (1 of 4 stars; one submission).

Allele frequency attached by ClinVar (database versions not stated): TOPMed 0.00001; gnomAD 0.00001; ESP Exome Variant Server 0.00008.
gnomAD v4.1: 1 of 1,613,924 alleles (0.000062%); highest among the groups gnomAD compares: Non-Finnish European, 0.000085%; no homozygotes.

Submission:

GeneDx
Classification: Likely pathogenic. Last evaluated: 2016-09-30. Review status: criteria provided, single submitter. Criteria: GeneDx Variant Classification (06012015). Collection method: clinical testing. Allele origin: germline. Affected: yes.
Comment: The Q149X nonsense variant in the COX10 gene is predicted to cause loss of normal protein function either through protein truncation or nonsense-mediated mRNA decay. Although this variant has not been reported previously to our knowledge, it is expected to be a pathogenic variant

NM_001303.4(COX10):c.445C>T (p.Gln149Ter)

Gene: COX10 (cytochrome c oxidase assembly factor heme A:farnesyltransferase COX10; plus strand). Cytogenetic location: 17p12.
Variant type: single nucleotide variant.
Coding change: c.445C>T on transcript NM_001303.4 (MANE Select); coding-DNA position 445, C replaced by T.
Protein change: p.Gln149Ter; replaces glutamine 149 with a stop codon.
Molecular consequence: nonsense.
Genome position (GRCh38, 1-based): chr17:14,077,002, C>T. VCF-style: chr17-14077002-C-T. GRCh37 (hg19) VCF-style: chr17-13980319-C-T.
Other names: short protein forms Q149*.
Identifiers: ClinVar variation 430559 (VCV000430559.2), dbSNP rs369511505, ClinGen allele CA288736765.